The following is an entry in ClinVar:

NM_005026.5(PIK3CD):c.2728A>G (p.Ile910Val)

Gene: PIK3CD (phosphatidylinositol-4,5-bisphosphate 3-kinase catalytic subunit delta; plus strand). Cytogenetic location: 1p36.22.
Variant type: single nucleotide variant.
Coding change: c.2728A>G on transcript NM_005026.5 (MANE Select); coding-DNA position 2728, A replaced by G.
Protein change: p.Ile910Val; replaces isoleucine 910 with valine.
Molecular consequence: missense variant.
Genome position (GRCh38, 1-based): chr1:9,724,285, A>G. VCF-style: chr1-9724285-A-G. GRCh37 (hg19) VCF-style: chr1-9784343-A-G.
Other names: c.2725A>G, p.Ile909Val (NM_001350234.2); c.2641A>G, p.Ile881Val (NM_001350235.1); short protein forms I910V, I909V, I881V.
Identifiers: ClinVar variation 3418576 (VCV003418576.3).
Genomic context (GRCh38, chr1:9,724,285, plus strand): 5'-TCTCCTGTCTGACACCTTCTCAATCCTCCCCCTCCTCTCCCCTCCCCTCAGCTGTTCCAC[A>G]TTGATTTTGGCCACTTTCTGGGGAATTTCAAGACCAAGTTTGGAATCAACCGCGAGCGTG-3'
Protein context (NP_005017.3, residues 900-920): MIRESGQLFH[Ile910Val]DFGHFLGNFK

ClinVar aggregate classification (germline): Uncertain significance. Review status: criteria provided, multiple submitters, no conflicts (2 of 4 stars). 2 submissions from 2 submitters: Uncertain significance (2). Last evaluated 2026-04-02.

Conditions:
Inborn genetic diseases. Identifiers: MedGen C0950123, MeSH D030342.

gnomAD v4.1: 4 of 1,613,834 alleles (0.00025%); highest among the groups gnomAD compares: East Asian, 0.0089%; no homozygotes.

Submissions (2):

Dasa
Classification: Uncertain significance. Last evaluated: 2026-04-02. Review status: criteria provided, single submitter. Criteria: DASA Assertion Criteria. Collection method: clinical testing. Allele origin: germline.
Comment: NM_005026.5(PIK3CD):c.2728A>G (p.Ile910Val) is a missense variant that results in the substitution of isoleucine with valine. This variant is rare in population databases. The currently available literature and clinical evidence are not sufficient to establish a definitive association between this variant and the reported condition. Therefore, this variant is classified as a variant of uncertain significance.

Ambry Genetics
Classification: Uncertain significance for Inborn genetic diseases. Last evaluated: 2024-10-25. Review status: criteria provided, single submitter. Criteria: Ambry Variant Classification Scheme 2023. Collection method: clinical testing. Allele origin: germline.